The following is an entry in ClinVar:

NM_001394372.1(BICRA):c.33C>A (p.Asp11Glu)

Gene: BICRA (BRD4 interacting chromatin remodeling complex associated protein; plus strand). Cytogenetic location: 19q13.33.
Variant type: single nucleotide variant.
Coding change: c.33C>A on transcript NM_001394372.1 (MANE Select); coding-DNA position 33, C replaced by A.
Protein change: p.Asp11Glu; replaces aspartic acid 11 with glutamic acid.
Molecular consequence: missense variant.
Genome position (GRCh38, 1-based): chr19:47,673,607, C>A. VCF-style: chr19-47673607-C-A. GRCh37 (hg19) VCF-style: chr19-48176864-C-A.
Other names: c.33C>A, p.Asp11Glu (NM_015711.3); short protein forms D11E.
Identifiers: ClinVar variation 4976012 (VCV004976012.1).
Genomic context (GRCh38, chr19:47,673,607, plus strand): 5'-CTTCCTGACCCCACCCCATCCAGTGGCGATGGATGATGAGGATGGGAGATGCTTACTAGA[C>A]GTGATTTGGTGAGTAACGGGCTCCCCACCCCCTGCCCTCTGTCTCAACCCCCTCCCTTCC-3'
Protein context (NP_001381301.1, residues 1-21): MDDEDGRCLL[Asp11Glu]VICDPQALND

ClinVar aggregate classification (germline): Uncertain significance (1 of 4 stars; one submission).

Submission:

GeneDx
Classification: Uncertain significance. Last evaluated: 2026-02-02. Review status: criteria provided, single submitter. Criteria: GeneDx Variant Classification Process June 2021. Collection method: clinical testing. Allele origin: germline.
Comment: Not observed at significant frequency in large population cohorts (gnomAD); In silico analysis suggests that this missense variant does not alter protein structure/function; Has not been previously published as pathogenic or benign to our knowledge